The following is an entry in ClinVar:

ClinVar aggregate classification (germline): Likely benign (1 of 4 stars; one submission).

Conditions:
UNC79-related disorder. Also called: UNC79-related condition.

gnomAD v4.1: 105 of 1,614,226 alleles (0.0065%); highest among the groups gnomAD compares: Middle Eastern, 0.033%; no homozygotes.

Submission:

PreventionGenetics, part of Exact Sciences
Classification: Likely benign for UNC79-related condition. Last evaluated: 2026-01-30. Review status: criteria provided, single submitter. Criteria: ACMG Guidelines, 2015. Collection method: clinical testing. Allele origin: germline.
Comment: This variant is classified as likely benign based on ACMG/AMP sequence variant interpretation guidelines (Richards et al. 2015 PMID: 25741868, with internal and published modifications).

NM_001395159.1(UNC79):c.4221C>T (p.Cys1407=)

Gene: UNC79 (unc-79 subunit of NALCN channel complex; plus strand). Cytogenetic location: 14q32.12.
Variant type: single nucleotide variant.
Coding change: c.4221C>T on transcript NM_001395159.1 (MANE Select); coding-DNA position 4221, C replaced by T.
Protein change: p.Cys1407=; no amino-acid change (cysteine 1407 retained).
Molecular consequence: synonymous variant.
Genome position (GRCh38, 1-based): chr14:93,617,235, C>T. VCF-style: chr14-93617235-C-T. GRCh37 (hg19) VCF-style: chr14-94083581-C-T.
Other names: c.4155C>T, p.Cys1385= (NM_001346218.2); c.3624C>T, p.Cys1208= (NM_020818.5).
Identifiers: ClinVar variation 4983379 (VCV004983379.1).